The following is an entry in ClinVar:

NC_000013.10:g.(?_32946992)_(32972329_?)del

Gene: BRCA2 (BRCA2 DNA repair associated; plus strand). Cytogenetic location: 13q13.1.
Variant type: Deletion.
Identifiers: ClinVar variation 3244188 (VCV003244188.1).

ClinVar aggregate classification (germline): Pathogenic (1 of 4 stars; one submission).

Conditions:
Hereditary breast ovarian cancer syndrome. Also called: Hereditary breast and ovarian cancer syndrome; Hereditary breast and ovarian cancer; Hereditary breast and ovarian cancer syndrome (HBOC); Breast and ovarian cancer; Hereditary breast and/or ovarian cancer syndrome; BRCA1- and BRCA2-Associated Hereditary Breast and Ovarian Cancer. Identifiers: Orphanet 145, MedGen C0677776, MeSH D061325, MONDO:0003582. Disease mechanism: loss of function.

Submission:

Labcorp Genetics (formerly Invitae), Labcorp
Classification: Pathogenic for Hereditary breast ovarian cancer syndrome. Last evaluated: 2022-12-12. Review status: criteria provided, single submitter. Criteria: Invitae Variant Classification Sherloc (09022015). Collection method: clinical testing. Allele origin: unknown.
Comment: For these reasons, this variant has been classified as Pathogenic. This variant disrupts a region of the BRCA2 protein in which other variant(s) (p.Gly3076Glu) have been determined to be pathogenic (PMID: 11149425, 12569143, 19043619, 22711857, 23108138, 29394989, 30078507). This suggests that this is a clinically significant region of the protein, and that variants that disrupt it are likely to be disease-causing. Variants that disrupt the consensus splice site are a relatively common cause of aberrant splicing (PMID: 17576681, 9536098). This variant has not been reported in the literature in individuals affected with BRCA2-related conditions. This variant results in the deletion of exons 21-26 and part of exon 27 (c.8632+1755_9679del) of the BRCA2 gene. While this variant is not anticipated to result in nonsense mediated decay, it likely alters RNA splicing and results in a disrupted protein product.

Literature cited by the submitters: PubMed 11149425; PubMed 12569143; PubMed 19043619; PubMed 22711857; PubMed 23108138; PubMed 29394989; PubMed 30078507; PubMed 17576681; PubMed 9536098.